The following is an entry in ClinVar:

ClinVar aggregate classification (germline): Uncertain significance. Review status: criteria provided, multiple submitters, no conflicts (2 of 4 stars). 2 submissions from 2 submitters: Uncertain significance (2). Last evaluated 2025-02-09.

Conditions:
Inborn genetic diseases. Identifiers: MedGen C0950123, MeSH D030342.

Allele frequency attached by ClinVar (database versions not stated): gnomAD exomes below 0.00001; ExAC 0.00001; TOPMed 0.00001.
gnomAD v4.1: 3 of 1,610,032 alleles (0.00019%); highest among the groups gnomAD compares: Non-Finnish European, 0.00017%; no homozygotes.

Submissions (2):

Ambry Genetics
Classification: Uncertain significance for Inborn genetic diseases. Last evaluated: 2025-02-09. Review status: criteria provided, single submitter. Criteria: Ambry Variant Classification Scheme 2023. Collection method: clinical testing. Allele origin: germline.

Labcorp Genetics (formerly Invitae), Labcorp
Classification: Uncertain significance. Last evaluated: 2023-04-06. Review status: criteria provided, single submitter. Criteria: Invitae Variant Classification Sherloc (09022015). Collection method: clinical testing. Allele origin: germline.
Comment: The frequency data for this variant in the population databases is considered unreliable, as metrics indicate poor data quality at this position in the gnomAD database. In summary, the available evidence is currently insufficient to determine the role of this variant in disease. Therefore, it has been classified as a Variant of Uncertain Significance. An algorithm developed to predict the effect of missense changes on protein structure and function (PolyPhen-2) suggests that this variant is likely to be disruptive. This variant has not been reported in the literature in individuals affected with DIP2C-related conditions. This sequence change replaces glycine, which is neutral and non-polar, with serine, which is neutral and polar, at codon 1027 of the DIP2C protein (p.Gly1027Ser).

NM_014974.3(DIP2C):c.3079G>A (p.Gly1027Ser)

Gene: DIP2C (DIP2 acetate--CoA ligase C (putative); minus strand). Cytogenetic location: 10p15.3.
Variant type: single nucleotide variant.
Coding change: c.3079G>A on transcript NM_014974.3 (MANE Select); coding-DNA position 3079, G replaced by A.
Protein change: p.Gly1027Ser; replaces glycine 1027 with serine.
Molecular consequence: missense variant.
Genome position (GRCh38, 1-based): chr10:349,361, C>T on the plus strand (G>A on the coding strand, the complement: DIP2C is on the minus strand). VCF-style: chr10-349361-C-T. GRCh37 (hg19) VCF-style: chr10-395301-C-T.
Other names: c.3079G>A (NM_014974.2); short protein forms G1027S.
Identifiers: ClinVar variation 2791590 (VCV002791590.4), dbSNP rs548883145, ClinGen allele CA5380147.
Genomic context (GRCh38, chr10:349,361, plus strand): 5'-TCTCAGGGGAAGCCCACCCTGCGCCTGTACCTGGGGGGTAGACCAAGGCCACGTGGTCGC[C>T]GTCCTGAAGGTGGCCCCTCTCCATCAGCATCACGGCGATCTTCTCAGCTCTCTTGTGCAG-3'
Protein context (NP_055789.1, residues 1017-1037): MLMERGHLQD[Gly1027Ser]DHVALVYPPG